The following is an entry in ClinVar:

ClinVar aggregate classification (germline): Uncertain significance (1 of 4 stars; one submission).

Conditions:
Familial thoracic aortic aneurysm and aortic dissection (TAAD). Also called: Thoracic aortic aneurysms and dissections. Identifiers: Orphanet 91387, MedGen C4707243, MONDO:0019625.
Hereditary cancer-predisposing syndrome. Also called: Neoplastic Syndromes, Hereditary; Tumor predisposition; Hereditary Cancer Syndrome; Hereditary neoplastic syndrome. Identifiers: Orphanet 140162, MedGen C0027672, MeSH D009386, MONDO:0015356.

Submission:

Ambry Genetics
Classification: Uncertain significance for Hereditary cancer-predisposing syndrome; Familial thoracic aortic aneurysm and aortic dissection. Last evaluated: 2026-06-14. Review status: criteria provided, single submitter. Criteria: Ambry Variant Classification Scheme 2023. Collection method: clinical testing. Allele origin: germline.
Comment: The p.G255R variant (also known as c.763G>C), located in coding exon 5 of the SMAD4 gene, results from a G to C substitution at nucleotide position 763. The glycine at codon 255 is replaced by arginine, an amino acid with dissimilar properties. This amino acid position is conserved. In addition, this alteration is predicted to be tolerated by in silico analysis. Based on the available evidence, the clinical significance of this variant remains unclear.

NM_005359.6(SMAD4):c.763G>C (p.Gly255Arg)

Gene: SMAD4 (SMAD family member 4; plus strand). Cytogenetic location: 18q21.2.
Variant type: single nucleotide variant.
Coding change: c.763G>C on transcript NM_005359.6 (MANE Select); coding-DNA position 763, G replaced by C.
Protein change: p.Gly255Arg; replaces glycine 255 with arginine.
Molecular consequence: missense variant. On other transcripts: non-coding transcript variant (2).
Genome position (GRCh38, 1-based): chr18:51,058,220, G>C. VCF-style: chr18-51058220-G-C. GRCh37 (hg19) VCF-style: chr18-48584590-G-C.
Other names: c.763G>C, p.Gly255Arg (NM_001407041.1, NM_001407042.1, NM_001407043.1); short protein forms G255R.
Identifiers: ClinVar variation 4864711 (VCV004864711.1).